The following is an entry in ClinVar:

ClinVar aggregate classification (germline): Uncertain significance (1 of 4 stars; one submission).

Conditions:
Lymphoproliferative syndrome 1 (LPFS1). Identifiers: Orphanet 238505, Orphanet 538963, MedGen C3552634, MONDO:0013081, OMIM 613011.

Submission:

Labcorp Genetics (formerly Invitae), Labcorp
Classification: Uncertain significance for Lymphoproliferative syndrome 1. Last evaluated: 2018-09-11. Review status: criteria provided, single submitter. Criteria: Invitae Variant Classification Sherloc (09022015). Collection method: clinical testing. Allele origin: germline.
Comment: This variant results in a copy number gain of the genomic region encompassing exons 1-6 of the ITK gene. The 5' end of this event is unknown as it extends beyond the assayed region for this gene and therefore may encompass additional genes. The 3' boundary is likely confined to intron 6 of the ITK gene. As the precise location of this event is unknown, it may be in tandem or it may be located elsewhere in the genome. This variant has not been reported in the literature in individuals with ITK-related disease. In summary, the available evidence is currently insufficient to determine the role of this variant in disease. Therefore, it has been classified as a Variant of Uncertain Significance.

NC_000005.9:g.(?_156607793)_(156650044_?)dup

Gene: ITK (IL2 inducible T cell kinase; plus strand). Cytogenetic location: 5q33.3.
Variant type: Duplication.
Identifiers: ClinVar variation 656285 (VCV000656285.4).